The following is an entry in ClinVar:

NM_000352.6(ABCC8):c.3447T>A (p.Cys1149Ter)

Gene: ABCC8 (ATP binding cassette subfamily C member 8; minus strand). Cytogenetic location: 11p15.1.
Variant type: single nucleotide variant.
Coding change: c.3447T>A on transcript NM_000352.6 (MANE Select); coding-DNA position 3447, T replaced by A.
Protein change: p.Cys1149Ter; replaces cysteine 1149 with a stop codon.
Molecular consequence: nonsense. On other transcripts: non-coding transcript variant (1).
Genome position (GRCh38, 1-based): chr11:17,404,622, A>T on the plus strand (T>A on the coding strand, the complement: ABCC8 is on the minus strand). VCF-style: chr11-17404622-A-T. GRCh37 (hg19) VCF-style: chr11-17426169-A-T.
Other names: NM_001287174.3:c.3450T>A; c.3450T>A, p.Cys1150Ter (NM_001287174.3); c.3513T>A, p.Cys1171Ter (NM_001351295.2); c.3447T>A, p.Cys1149Ter (NM_001351296.2); c.3444T>A, p.Cys1148Ter (NM_001351297.2); short protein forms C1148*, C1149*, C1150*, C1171*.
Identifiers: ClinVar variation 2576201 (VCV002576201.1), dbSNP rs764564256, ClinGen allele CA5902804.
Genomic context (GRCh38, chr11:17,404,622, plus strand): 5'-GGGCAAGAGGGCCACGAGGAACACAGGTGTGACATAGGAGATGACGGCCAGGGCTGAGAC[A>T]CAGAGCAGGGTGGAGCGGCTCAGGCACTCCAGCGTGGATGGGATGTGCTGAGGGAGACGA-3'

ClinVar aggregate classification (germline): Likely pathogenic (1 of 4 stars; one submission).

Conditions:
Hyperinsulinemic hypoglycemia, familial, 1 (HHF1). Also called: HYPERINSULINISM, FAMILIAL, WITH PANCREATIC NESIDIOBLASTOSIS; HYPOGLYCEMIA, HYPERINSULINEMIC, OF INFANCY; Persistent Hyperinsulinemia Hypoglycemia of Infancy; NESIDIOBLASTOSIS OF PANCREAS; Persistent hyperinsulinemic hypoglycemia of infancy. Identifiers: Orphanet 276575, Orphanet 276598, MedGen C2931832, MONDO:0009734, OMIM 256450.

Allele frequency attached by ClinVar (database versions not stated): gnomAD exomes below 0.00001; ExAC 0.00001.
gnomAD v4.1: 1 of 1,613,662 alleles (0.000062%); highest among the groups gnomAD compares: South Asian, 0.0011%; no homozygotes.

Submission:

Broad Center for Mendelian Genomics, Broad Institute of MIT and Harvard
Classification: Likely pathogenic for Hyperinsulinemic hypoglycemia, familial, 1. Last evaluated: 2023-08-16. Review status: criteria provided, single submitter. Criteria: ACMG Guidelines, 2015. Collection method: curation. Allele origin: germline. Inheritance: Autosomal recessive inheritance.
Comment: The p.Cys1149Ter variant in ABCC8 has been reported in 1 individual with hyperinsulinemic hypoglycemia (PMID: 32027066), and has been identified in 0.003% (1/30546) of South Asian chromosomes by the Genome Aggregation Database (gnomAD; dbSNP ID: rs764564256). Although this variant has been seen in the general population in a heterozygous state, its frequency is low enough to be consistent with a recessive carrier frequency. This nonsense variant leads to a premature termination codon at position 1149, which is predicted to lead to a truncated or absent protein. Loss of function of the ABCC8 gene is an established disease mechanism in autosomal recessive hyperinsulinemic hypoglycemia. In summary, although additional studies are required to fully establish its clinical significance, this variant is likely pathogenic for autosomal recessive hyperinsulinemic hypoglycemia. ACMG/AMP Criteria applied: PVS1, PM2 (Richards 2015).